The following is an entry in ClinVar:

NM_001190.4(BCAT2):c.145C>T (p.Pro49Ser)

Gene: BCAT2 (branched chain amino acid transaminase 2; minus strand). Cytogenetic location: 19q13.33.
Variant type: single nucleotide variant.
Coding change: c.145C>T on transcript NM_001190.4 (MANE Select); coding-DNA position 145, C replaced by T.
Protein change: p.Pro49Ser; replaces proline 49 with serine.
Molecular consequence: missense variant. On other transcripts: intron variant (1).
Genome position (GRCh38, 1-based): chr19:48,806,672, G>A on the plus strand (C>T on the coding strand, the complement: BCAT2 is on the minus strand). VCF-style: chr19-48806672-G-A. GRCh37 (hg19) VCF-style: chr19-49309929-G-A.
Other names: c.25C>T, p.Pro9Ser (NM_001284325.2); c.24+4312C>T (NM_001164773.2); short protein forms P9S, P49S.
Identifiers: ClinVar variation 2695131 (VCV002695131.3), dbSNP rs2514101175, ClinGen allele CA406727699.

ClinVar aggregate classification (germline): Uncertain significance (1 of 4 stars; one submission).

Submission:

Labcorp Genetics (formerly Invitae), Labcorp
Classification: Uncertain significance. Last evaluated: 2023-12-15. Review status: criteria provided, single submitter. Criteria: Invitae Variant Classification Sherloc (09022015). Collection method: clinical testing. Allele origin: germline.
Comment: This sequence change replaces proline, which is neutral and non-polar, with serine, which is neutral and polar, at codon 49 of the BCAT2 protein (p.Pro49Ser). This variant is not present in population databases (gnomAD no frequency). This variant has not been reported in the literature in individuals affected with BCAT2-related conditions. An algorithm developed to predict the effect of missense changes on protein structure and function (PolyPhen-2) suggests that this variant is likely to be disruptive. In summary, the available evidence is currently insufficient to determine the role of this variant in disease. Therefore, it has been classified as a Variant of Uncertain Significance.